The following is an entry in ClinVar:

ClinVar aggregate classification (germline): Uncertain significance. Review status: criteria provided, multiple submitters, no conflicts (2 of 4 stars). 2 submissions from 2 submitters: Uncertain significance (2). Last evaluated 2025-12-09.

Conditions:
Inborn genetic diseases. Identifiers: MedGen C0950123, MeSH D030342.

gnomAD v4.1: 2 of 1,605,750 alleles (0.00012%); highest among the groups gnomAD compares: Non-Finnish European, 0.00017%; no homozygotes.

Submissions (2):

Ambry Genetics
Classification: Uncertain significance for Inborn genetic diseases. Last evaluated: 2025-12-09. Review status: criteria provided, single submitter. Criteria: Ambry Variant Classification Scheme 2023. Collection method: clinical testing. Allele origin: germline.

GeneDx
Classification: Uncertain significance. Last evaluated: 2025-07-25. Review status: criteria provided, single submitter. Criteria: GeneDx Variant Classification Process June 2021. Collection method: clinical testing. Allele origin: germline. Affected: yes.
Comment: Not observed at significant frequency in large population cohorts (gnomAD); In silico analysis suggests that this missense variant does not alter protein structure/function; Has not been previously published as pathogenic or benign to our knowledge

NM_015466.4(PTPN23):c.2495G>A (p.Gly832Asp)

Gene: PTPN23 (protein tyrosine phosphatase non-receptor type 23; plus strand). Cytogenetic location: 3p21.31.
Variant type: single nucleotide variant.
Coding change: c.2495G>A on transcript NM_015466.4 (MANE Select); coding-DNA position 2495, G replaced by A.
Protein change: p.Gly832Asp; replaces glycine 832 with aspartic acid.
Molecular consequence: missense variant.
Genome position (GRCh38, 1-based): chr3:47,410,293, G>A. VCF-style: chr3-47410293-G-A. GRCh37 (hg19) VCF-style: chr3-47451783-G-A.
Other names: c.2117G>A, p.Gly706Asp (NM_001304482.2); short protein forms G706D, G832D.
Identifiers: ClinVar variation 4628605 (VCV004628605.2).